The following is an entry in ClinVar:

NM_000540.3(RYR1):c.13244_13264dup (p.Ala4415_Asp4421dup)

Gene: RYR1 (ryanodine receptor 1; plus strand). Cytogenetic location: 19q13.2.
Variant type: Duplication.
Coding change: c.13244_13264dup on transcript NM_000540.3 (MANE Select); coding-DNA positions 13244 to 13264, 21 bases duplicated (CCGCGGAGGGCGCTGGAGACG).
Protein change: p.Ala4415_Asp4421dup.
Molecular consequence: inframe insertion.
Genome position (GRCh38, 1-based): chr19:38,565,578-38,565,598, CCGCGGAGGGCGCTGGAGACG duplicated; duplicating any 21 consecutive bases within chr19:38,565,562-38,565,598 gives the same sequence; the c. name uses the placement nearest the transcript's 3' end. VCF-style (leftmost placement, unchanged base first): chr19-38565561-C-CGAGGGCGCTGGAGACGCCGCG. GRCh37 (hg19) VCF-style: chr19-39056201-C-CGAGGGCGCTGGAGACGCCGCG.
Other names: c.13229_13249dup, p.Ala4410_Asp4416dup (NM_001042723.2); c.13244_13264dup21 (NM_000540.2, NM_000540.3).
Identifiers: ClinVar variation 287765 (VCV000287765.16), dbSNP rs763413580, ClinGen allele CA10605862.

ClinVar aggregate classification (germline): Uncertain significance. Review status: criteria provided, multiple submitters, no conflicts (2 of 4 stars). 7 submissions from 7 submitters: Uncertain significance (6). 1 of the submissions does not count toward it. Last evaluated 2026-07-20.

Conditions:
RYR1-related disorder. Also called: RYR1-related condition; RYR1-related disorders. Identifiers: MedGen CN239331.

Submissions (7):

GeneDx
Classification: Uncertain significance. Last evaluated: 2026-07-20. Review status: criteria provided, single submitter. Criteria: GeneDx Variant Classification Process June 2021. Collection method: clinical testing. Allele origin: germline.
Comment: In-frame duplication of 7 amino acid(s) in a non-repeat region; Has not been previously published as pathogenic or benign to our knowledge

Blueprint Genetics
Classification: Uncertain significance. Last evaluated: 2024-10-08. Review status: criteria provided, single submitter. Criteria: ACMG Guidelines, 2015. Collection method: clinical testing. Allele origin: germline.

Women's Health and Genetics/Laboratory Corporation of America, LabCorp
Classification: Uncertain significance. Last evaluated: 2024-06-12. Review status: criteria provided, single submitter. Criteria: LabCorp Variant Classification Summary - May 2015. Collection method: clinical testing. Allele origin: germline.
Comment: Variant summary: RYR1 c.13244_13264dup21 (p.Ala4415_Asp4421dup) results in an in-frame duplication that is predicted to duplicate 7 amino acids into the encoded protein. The variant allele was found at a frequency of 1.2e-05 in 85708 control chromosomes (gnomAD). The available data on variant occurrences in the general population are insufficient to allow any conclusion about variant significance. To our knowledge, no occurrence of c.13244_13264dup21 in individuals affected with Myopathy, RYR1-Associated and no experimental evidence demonstrating its impact on protein function have been reported. ClinVar contains an entry for this variant (Variation ID: 287765). Based on the evidence outlined above, the variant was classified as uncertain significance.

Revvity Omics, Revvity
Classification: Uncertain significance. Last evaluated: 2023-10-26. Review status: criteria provided, single submitter. Criteria: ACMG Guidelines, 2015. Collection method: clinical testing. Allele origin: germline.

Labcorp Genetics (formerly Invitae), Labcorp
Classification: Uncertain significance for RYR1-related disorder. Last evaluated: 2021-08-13. Review status: criteria provided, single submitter. Criteria: Invitae Variant Classification Sherloc (09022015). Collection method: clinical testing. Allele origin: germline.
Comment: This variant, c.13244_13264dup, results in the insertion of 7 amino acid(s) to the RYR1 protein (p.Ala4415_Asp4421dup), but otherwise preserves the integrity of the reading frame. The frequency data for this variant in the population databases is considered unreliable, as metrics indicate insufficient coverage at this position in the ExAC database. This variant has been observed in individual(s) with congenital myopathy (Invitae). Experimental studies and prediction algorithms are not available or were not evaluated, and the functional significance of this variant is currently unknown. In summary, the available evidence is currently insufficient to determine the role of this variant in disease. Therefore, it has been classified as a Variant of Uncertain Significance.

Eurofins Ntd Llc (ga)
Classification: Uncertain significance. Last evaluated: 2016-05-19. Review status: criteria provided, single submitter. Criteria: EGL Classification Definitions. Collection method: clinical testing. Allele origin: germline. Observed: 1 variant allele, 1 heterozygote.

PreventionGenetics, part of Exact Sciences
Classification: Uncertain significance for RYR1-related condition. Last evaluated: 2024-09-12. Review status: no assertion criteria provided. Collection method: clinical testing. Allele origin: germline. Not counted in ClinVar's aggregate classification.
Comment: The RYR1 c.13244_13264dup21 variant is predicted to result in an in-frame duplication (p.Ala4415_Asp4421dup). To our knowledge, this variant has not been reported in the literature. This variant is reported in 0.0056% of alleles in individuals of Latino descent in gnomAD. At this time, the clinical significance of this variant is uncertain due to the absence of conclusive functional and genetic evidence.